The following is an entry in ClinVar:

ClinVar aggregate classification (germline): Uncertain significance (1 of 4 stars; one submission).

Conditions:
Familial hypobetalipoproteinemia 1. Also called: Hypobetalipoproteinemia, normotriglyceridemic; Acanthocytosis with hypobetalipoproteinemia; APOB-Related Familial Hypobetalipoproteinemia. Identifiers: MedGen C4551990, MONDO:0014252, OMIM 615558.
Hypercholesterolemia, autosomal dominant, type B (FHCL2). Also called: Familial Hypercholesterolemia Type B; APOLIPOPROTEIN B-100, FAMILIAL DEFECTIVE; APOLIPOPROTEIN B-100, FAMILIAL LIGAND-DEFECTIVE; HYPERCHOLESTEROLEMIA, FAMILIAL, DUE TO LIGAND-DEFECTIVE APOLIPOPROTEIN B; APOB-Related Familial Hypercholesterolemia, Autosomal Dominant; Hyperlipoproteinemia Type IIb. Identifiers: MedGen C1704417, MONDO:0007751, OMIM 144010.

gnomAD v4.1: 1 of 1,601,888 alleles (0.000062%); no homozygotes.

Submission:

Labcorp Genetics (formerly Invitae), Labcorp
Classification: Uncertain significance for Familial hypobetalipoproteinemia 1; Hypercholesterolemia, autosomal dominant, type B. Last evaluated: 2025-10-26. Review status: criteria provided, single submitter. Criteria: Invitae Variant Classification Sherloc (09022015). Collection method: clinical testing. Allele origin: germline.
Comment: This sequence change replaces threonine, which is neutral and polar, with alanine, which is neutral and non-polar, at codon 1045 of the APOB protein (p.Thr1045Ala). This variant is not present in population databases (gnomAD no frequency). This variant has not been reported in the literature in individuals affected with APOB-related conditions. Invitae Evidence Modeling of protein sequence and biophysical properties (such as structural, functional, and spatial information, amino acid conservation, physicochemical variation, residue mobility, and thermodynamic stability) indicates that this missense variant is not expected to disrupt APOB protein function with a negative predictive value of 95%. In summary, the available evidence is currently insufficient to determine the role of this variant in disease. Therefore, it has been classified as a Variant of Uncertain Significance.

NM_000384.3(APOB):c.3133A>G (p.Thr1045Ala)

Gene: APOB (apolipoprotein B; minus strand). Cytogenetic location: 2p24.1.
Variant type: single nucleotide variant.
Coding change: c.3133A>G on transcript NM_000384.3 (MANE Select); coding-DNA position 3133, A replaced by G.
Protein change: p.Thr1045Ala; replaces threonine 1045 with alanine.
Molecular consequence: missense variant.
Genome position (GRCh38, 1-based): chr2:21,016,638, T>C on the plus strand (A>G on the coding strand, the complement: APOB is on the minus strand). VCF-style: chr2-21016638-T-C. GRCh37 (hg19) VCF-style: chr2-21239510-T-C.
Other names: short protein forms T1045A.
Identifiers: ClinVar variation 4793058 (VCV004793058.1).